The following is an entry in ClinVar:

NM_002769.5(PRSS1):c.721A>G (p.Asn241Asp)

Genes: TRB (T cell receptor beta locus; plus strand), PRSS1 (serine protease 1; plus strand). Cytogenetic location: 7q34.
Variant type: single nucleotide variant.
Coding change: c.721A>G on transcript NM_002769.5 (MANE Select); coding-DNA position 721, A replaced by G.
Protein change: p.Asn241Asp; replaces asparagine 241 with aspartic acid.
Molecular consequence: missense variant.
Genome position (GRCh38, 1-based): chr7:142,752,997, A>G. VCF-style: chr7-142752997-A-G. GRCh37 (hg19) VCF-style: chr7-142460848-A-G.
Other names: short protein forms N241D.
Identifiers: ClinVar variation 1471205 (VCV001471205.8), dbSNP rs141554682, ClinGen allele CA4530148.
Genomic context (GRCh38, chr7:142,752,997, plus strand): 5'-GCCCAGAAGAACAAGCCTGGAGTCTACACCAAGGTCTACAACTATGTGAAATGGATTAAG[A>G]ACACCATAGCTGCCAATAGCTAAAGCCCCCAGTATCTCTTCAGTCTCTATACCAATAAAG-3'
Protein context (NP_002760.1, residues 231-247): KVYNYVKWIK[Asn241Asp]TIAANS

ClinVar aggregate classification (germline): Conflicting classifications of pathogenicity. Review status: criteria provided, conflicting classifications (1 of 4 stars). 2 submissions from 2 submitters: Uncertain significance (1); Likely benign (1). Last evaluated 2022-01-28.

Conditions:
Hereditary pancreatitis (PCTT). Also called: PRSS1-Related Hereditary Pancreatitis; Hereditary chronic pancreatitis. Identifiers: Orphanet 676, MedGen C0238339, MONDO:0008185, OMIM 167800.

Allele frequency attached by ClinVar (database versions not stated): gnomAD 0.00001.

Submissions (2):

Ambry Genetics
Classification: Likely benign for Hereditary pancreatitis. Last evaluated: 2022-01-28. Review status: criteria provided, single submitter. Criteria: Ambry Variant Classification Scheme 2023. Collection method: clinical testing. Allele origin: germline.

Labcorp Genetics (formerly Invitae), Labcorp
Classification: Uncertain significance for Hereditary pancreatitis. Last evaluated: 2022-01-06. Review status: criteria provided, single submitter. Criteria: Invitae Variant Classification Sherloc (09022015). Collection method: clinical testing. Allele origin: germline.
Comment: This variant has not been reported in the literature in individuals affected with PRSS1-related conditions. The frequency data for this variant in the population databases is considered unreliable, as metrics indicate poor data quality at this position in the gnomAD database. This sequence change replaces asparagine, which is neutral and polar, with aspartic acid, which is acidic and polar, at codon 241 of the PRSS1 protein (p.Asn241Asp). In summary, the available evidence is currently insufficient to determine the role of this variant in disease. Therefore, it has been classified as a Variant of Uncertain Significance. Algorithms developed to predict the effect of missense changes on protein structure and function output the following: SIFT: "Tolerated"; PolyPhen-2: "Benign"; Align-GVGD: "Class C0". The aspartic acid amino acid residue is found in multiple mammalian species, which suggests that this missense change does not adversely affect protein function.